The following is an entry in ClinVar:

NM_002439.5(MSH3):c.2344T>C (p.Ser782Pro)

Gene: MSH3 (mutS homolog 3; plus strand). Cytogenetic location: 5q14.1.
Variant type: single nucleotide variant.
Coding change: c.2344T>C on transcript NM_002439.5 (MANE Select); coding-DNA position 2344, T replaced by C.
Protein change: p.Ser782Pro; replaces serine 782 with proline.
Molecular consequence: missense variant.
Genome position (GRCh38, 1-based): chr5:80,778,745, T>C. VCF-style: chr5-80778745-T-C. GRCh37 (hg19) VCF-style: chr5-80074564-T-C.
Other names: short protein forms S782P.
Identifiers: ClinVar variation 1789915 (VCV001789915.7), dbSNP rs2546779512, ClinGen allele CA360281751.
Genomic context (GRCh38, chr5:80,778,745, plus strand): 5'-TTGATTTCCTATTTGTGTTCTTTCCCCTCTTCTAGCACAAAAGCTGTGAGCCGCTTTCAC[T>C]CTCCTTTTATTGTAGAAAATTACAGACATCTGAATCAGCTCCGGGAGCAGCTAGTCCTTG-3'
Protein context (NP_002430.3, residues 772-792): GSTKAVSRFH[Ser782Pro]PFIVENYRHL

ClinVar aggregate classification (germline): Uncertain significance. Review status: criteria provided, multiple submitters, no conflicts (2 of 4 stars). 2 submissions from 2 submitters: Uncertain significance (2). Last evaluated 2022-01-06.

Conditions:
Hereditary cancer-predisposing syndrome. Also called: Hereditary Cancer Syndrome; Hereditary neoplastic syndrome; Tumor predisposition; Neoplastic Syndromes, Hereditary. Identifiers: Orphanet 140162, MedGen C0027672, MeSH D009386, MONDO:0015356.

Submissions (2):

Labcorp Genetics (formerly Invitae), Labcorp
Classification: Uncertain significance. Last evaluated: 2022-01-06. Review status: criteria provided, single submitter. Criteria: Invitae Variant Classification Sherloc (09022015). Collection method: clinical testing. Allele origin: germline.
Comment: In summary, the available evidence is currently insufficient to determine the role of this variant in disease. Therefore, it has been classified as a Variant of Uncertain Significance. Algorithms developed to predict the effect of missense changes on protein structure and function output the following: SIFT: "Tolerated"; PolyPhen-2: "Benign"; Align-GVGD: "Class C0". The proline amino acid residue is found in multiple mammalian species, which suggests that this missense change does not adversely affect protein function. This variant has not been reported in the literature in individuals affected with MSH3-related conditions. This variant is not present in population databases (gnomAD no frequency). This sequence change replaces serine, which is neutral and polar, with proline, which is neutral and non-polar, at codon 782 of the MSH3 protein (p.Ser782Pro).

Ambry Genetics
Classification: Uncertain significance for Hereditary cancer-predisposing syndrome. Last evaluated: 2020-08-17. Review status: criteria provided, single submitter. Criteria: Ambry Variant Classification Scheme 2023. Collection method: clinical testing. Allele origin: germline.
Comment: The p.S782P variant (also known as c.2344T>C), located in coding exon 17 of the MSH3 gene, results from a T to C substitution at nucleotide position 2344. The serine at codon 782 is replaced by proline, an amino acid with similar properties. This amino acid position is not well conserved in available vertebrate species. In addition, this alteration is predicted to be tolerated by in silico analysis. Since supporting evidence is limited at this time, the clinical significance of this alteration remains unclear.